The following is an entry in ClinVar:

NM_001379286.1(ZNF423):c.3775G>A (p.Val1259Met)

Gene: ZNF423 (zinc finger protein 423; minus strand). Cytogenetic location: 16q12.1.
Variant type: single nucleotide variant.
Coding change: c.3775G>A on transcript NM_001379286.1 (MANE Select); coding-DNA position 3775, G replaced by A.
Protein change: p.Val1259Met; replaces valine 1259 with methionine.
Molecular consequence: missense variant.
Genome position (GRCh38, 1-based): chr16:49,523,698, C>T on the plus strand (G>A on the coding strand, the complement: ZNF423 is on the minus strand). VCF-style: chr16-49523698-C-T. GRCh37 (hg19) VCF-style: chr16-49557609-C-T.
Other names: c.3571G>A, p.Val1191Met (NM_001271620.2); c.3400G>A, p.Val1134Met (NM_001330533.2); c.3751G>A, p.Val1251Met (NM_015069.5); c.3751G>A (NM_015069.2, NM_015069.4); short protein forms V1134M, V1259M, V1191M, V1251M.
Identifiers: ClinVar variation 937173 (VCV000937173.10), dbSNP rs552839268, ClinGen allele CA8046199.

ClinVar aggregate classification (germline): Uncertain significance. Review status: criteria provided, multiple submitters, no conflicts (2 of 4 stars). 3 submissions from 3 submitters: Uncertain significance (3). Last evaluated 2026-02-10.

Conditions:
ZNF423-related disorder. Also called: ZNF423-related condition.
Nephronophthisis 14 (NPHP14). Identifiers: Orphanet 2318, MedGen C3539071, MONDO:0013916, OMIM 614844.

Allele frequency attached by ClinVar (database versions not stated): gnomAD 0.00002; gnomAD exomes 0.00002 and 0.00003; TOPMed 0.00002; ExAC 0.00003.
gnomAD v4.1: 32 of 1,613,988 alleles (0.002%); highest among the groups gnomAD compares: East Asian, 0.024%; no homozygotes.

Submissions (3):

PreventionGenetics, part of Exact Sciences
Classification: Uncertain significance for ZNF423-related condition. Last evaluated: 2026-02-10. Review status: criteria provided, single submitter. Criteria: ACMG Guidelines, 2015. Collection method: clinical testing. Allele origin: germline.
Comment: The ZNF423 c.3751G>A variant is predicted to result in the amino acid substitution p.Val1251Met. To our knowledge, this variant has not been reported in the literature. This variant is reported in 0.0054% of alleles in individuals of East Asian descent in gnomAD. At this time, the clinical significance of this variant is uncertain due to the absence of conclusive functional and genetic evidence.

Labcorp Genetics (formerly Invitae), Labcorp
Classification: Uncertain significance for Nephronophthisis 14. Last evaluated: 2024-09-05. Review status: criteria provided, single submitter. Criteria: Invitae Variant Classification Sherloc (09022015). Collection method: clinical testing. Allele origin: germline.
Comment: This sequence change replaces valine, which is neutral and non-polar, with methionine, which is neutral and non-polar, at codon 1251 of the ZNF423 protein (p.Val1251Met). This variant is present in population databases (rs552839268, gnomAD 0.006%). This variant has not been reported in the literature in individuals affected with ZNF423-related conditions. ClinVar contains an entry for this variant (Variation ID: 937173). Invitae Evidence Modeling of protein sequence and biophysical properties (such as structural, functional, and spatial information, amino acid conservation, physicochemical variation, residue mobility, and thermodynamic stability) indicates that this missense variant is not expected to disrupt ZNF423 protein function with a negative predictive value of 80%. In summary, the available evidence is currently insufficient to determine the role of this variant in disease. Therefore, it has been classified as a Variant of Uncertain Significance.

Ambry Genetics
Classification: Uncertain significance. Last evaluated: 2024-06-10. Review status: criteria provided, single submitter. Criteria: Ambry Variant Classification Scheme 2023. Collection method: clinical testing. Allele origin: germline.